The following is an entry in ClinVar:

NM_000222.3(KIT):c.2142-7C>T

Gene: KIT (KIT proto-oncogene, receptor tyrosine kinase; plus strand). Cytogenetic location: 4q12.
Variant type: single nucleotide variant.
Coding change: c.2142-7C>T on transcript NM_000222.3 (MANE Select); 7 bases into the intron before coding-DNA position 2142, C replaced by T.
Molecular consequence: intron variant.
Genome position (GRCh38, 1-based): chr4:54,731,321, C>T. VCF-style: chr4-54731321-C-T. GRCh37 (hg19) VCF-style: chr4-55597487-C-T.
Other names: c.2145-7C>T (NM_001385284.1); c.2145-10C>T (NM_001385290.1); c.2133-7C>T (NM_001385288.1); c.2133-10C>T (NM_001385292.1); c.2142-10C>T (NM_001385285.1); c.2130-7C>T (NM_001093772.2); c.2130-10C>T (NM_001385286.1).
Identifiers: ClinVar variation 1112553 (VCV001112553.10), dbSNP rs2109792034, ClinGen allele CA2499217276.

ClinVar aggregate classification (germline): Likely benign. Review status: criteria provided, multiple submitters, no conflicts (2 of 4 stars). 2 submissions from 2 submitters: Likely benign (2). Last evaluated 2026-05-29.

Conditions:
Gastrointestinal stromal tumor. Also called: Gastrointestinal stroma tumor; Gastrointestinal stromal tumor, somatic. Identifiers: Orphanet 44890, MedGen C0238198, MeSH D046152, MONDO:0011719, OMIM 606764, HP:0100723.

Submissions (2):

Myriad Genetics, Inc.
Classification: Likely benign for Gastrointestinal stromal tumor. Last evaluated: 2026-05-29. Review status: criteria provided, single submitter. Criteria: Myriad Autosomal Dominant, Autosomal Recessive and X-Linked Classification Criteria (2023). Collection method: clinical testing. Allele origin: unknown.
Comment: This variant is considered likely benign. This variant is intronic and is not expected to impact mRNA splicing.

Labcorp Genetics (formerly Invitae), Labcorp
Classification: Likely benign for Gastrointestinal stromal tumor. Last evaluated: 2025-09-13. Review status: criteria provided, single submitter. Criteria: Invitae Variant Classification Sherloc (09022015). Collection method: clinical testing. Allele origin: germline.